The following is an entry in ClinVar:

ClinVar aggregate classification (germline): Uncertain significance (1 of 4 stars; one submission).

Conditions:
Inborn genetic diseases. Identifiers: MedGen C0950123, MeSH D030342.

gnomAD v4.1: 3 of 1,612,674 alleles (0.00019%); highest among the groups gnomAD compares: Non-Finnish European, 0.00025%; no homozygotes.

Submission:

Ambry Genetics
Classification: Uncertain significance for Inborn genetic diseases. Last evaluated: 2025-04-16. Review status: criteria provided, single submitter. Criteria: Ambry Variant Classification Scheme 2023. Collection method: clinical testing. Allele origin: germline.
Comment: The p.A933D variant (also known as c.2798C>A), located in coding exon 28 of the RTEL1 gene, results from a C to A substitution at nucleotide position 2798. The alanine at codon 933 is replaced by aspartic acid, an amino acid with dissimilar properties. This amino acid position is conserved. In addition, this alteration is predicted to be tolerated by in silico analysis. Based on the available evidence, the clinical significance of this variant remains unclear.

NM_001283009.2(RTEL1):c.2798C>A (p.Ala933Asp)

Genes: RTEL1 (regulator of telomere elongation helicase 1; plus strand), RTEL1-TNFRSF6B (RTEL1-TNFRSF6B readthrough (NMD candidate); plus strand). Cytogenetic location: 20q13.33.
Variant type: single nucleotide variant.
Coding change: c.2798C>A on transcript NM_001283009.2 (MANE Select); coding-DNA position 2798, C replaced by A.
Protein change: p.Ala933Asp; replaces alanine 933 with aspartic acid.
Molecular consequence: missense variant. On other transcripts: non-coding transcript variant (1).
Genome position (GRCh38, 1-based): chr20:63,692,950, C>A. VCF-style: chr20-63692950-C-A. GRCh37 (hg19) VCF-style: chr20-62324303-C-A.
Other names: c.2129C>A, p.Ala710Asp (NM_001283010.1); c.2798C>A, p.Ala933Asp (NM_016434.4); c.2870C>A, p.Ala957Asp (NM_032957.5); short protein forms A933D, A957D, A710D.
Identifiers: ClinVar variation 3948327 (VCV003948327.1).